The following is an entry in ClinVar:

ClinVar aggregate classification (germline): Likely benign. Review status: criteria provided, single submitter (1 of 4 stars). 2 submissions from 2 submitters: Likely benign (1). 1 of the submissions does not count toward it. Last evaluated 2023-05-11.

Conditions:
Emery-Dreifuss muscular dystrophy 5, autosomal dominant (EDMD5). Also called: EMERY-DREIFUSS MUSCULAR DYSTROPHY 5. Identifiers: Orphanet 261, MedGen C2751805, MONDO:0013072, OMIM 612999.
SYNE2-related disorder. Also called: SYNE2-related condition.

Allele frequency attached by ClinVar (database versions not stated): gnomAD exomes 0.00001 and 0.00002; ExAC 0.00002; TOPMed 0.00003.
gnomAD v4.1: 4 of 1,614,166 alleles (0.00025%); highest among the groups gnomAD compares: Admixed American, 0.0067%; no homozygotes.

Submissions (2):

Labcorp Genetics (formerly Invitae), Labcorp
Classification: Likely benign for Emery-Dreifuss muscular dystrophy 5, autosomal dominant. Last evaluated: 2023-05-11. Review status: criteria provided, single submitter. Criteria: Invitae Variant Classification Sherloc (09022015). Collection method: clinical testing. Allele origin: germline.

PreventionGenetics, part of Exact Sciences
Classification: Likely benign for SYNE2-related condition. Last evaluated: 2019-07-02. Review status: no assertion criteria provided. Collection method: clinical testing. Allele origin: germline. Not counted in ClinVar's aggregate classification.
Comment: This variant is classified as likely benign based on ACMG/AMP sequence variant interpretation guidelines (Richards et al. 2015 PMID: 25741868, with internal and published modifications).

NM_182914.3(SYNE2):c.15444C>T (p.Asn5148=)

Gene: SYNE2 (spectrin repeat containing nuclear envelope protein 2; plus strand). Cytogenetic location: 14q23.2.
Variant type: single nucleotide variant.
Coding change: c.15444C>T on transcript NM_182914.3 (MANE Select); coding-DNA position 15444, C replaced by T.
Protein change: p.Asn5148=; no amino-acid change (asparagine 5148 retained).
Molecular consequence: synonymous variant.
Genome position (GRCh38, 1-based): chr14:64,143,909, C>T. VCF-style: chr14-64143909-C-T. GRCh37 (hg19) VCF-style: chr14-64610627-C-T.
Other names: c.15444C>T (NM_182914.2); c.15444C>T, p.Asn5148= (NM_015180.6).
Identifiers: ClinVar variation 1568246 (VCV001568246.10), dbSNP rs771629482, ClinGen allele CA7223083.